The following is an entry in ClinVar:

NM_005633.4(SOS1):c.3616G>A (p.Asp1206Asn)

Gene: SOS1 (SOS Ras/Rac guanine nucleotide exchange factor 1; minus strand). Cytogenetic location: 2p22.1.
Variant type: single nucleotide variant.
Coding change: c.3616G>A on transcript NM_005633.4 (MANE Select); coding-DNA position 3616, G replaced by A.
Protein change: p.Asp1206Asn; replaces aspartic acid 1206 with asparagine.
Molecular consequence: missense variant.
Genome position (GRCh38, 1-based): chr2:38,986,210, C>T on the plus strand (G>A on the coding strand, the complement: SOS1 is on the minus strand). VCF-style: chr2-38986210-C-T. GRCh37 (hg19) VCF-style: chr2-39213351-C-T.
Other names: c.3595G>A, p.Asp1199Asn (NM_001382394.1); c.3571G>A, p.Asp1191Asn (NM_001382395.1); short protein forms D1199N, D1191N, D1206N.
Identifiers: ClinVar variation 4614981 (VCV004614981.3).
Genomic context (GRCh38, chr2:38,986,210, plus strand): 5'-AAACATCAGGTGTCCTCACAGGTTCTCGTGGTGGTAATAAGGGAGGGCTTTCAGGAGGGT[C>T]TGAGATAGAGGTCCGGTCTGATATTGAATATCGTGGTGAATAGGCTTTTGATGTGGGTTG-3'
Protein context (NP_005624.2, residues 1196-1216): YSISDRTSIS[Asp1206Asn]PPESPPLLPP

ClinVar aggregate classification (germline): Conflicting classifications of pathogenicity. Review status: criteria provided, conflicting classifications (1 of 4 stars). 3 submissions from 3 submitters: Likely pathogenic (1); Uncertain significance (2). Last evaluated 2025-10-06.

Conditions:
RASopathy. Also called: rasopathies; Noonan spectrum disorder. Identifiers: Orphanet 536391, MedGen C5555857, MONDO:0021060.
SOS1-related disorder. Also called: SOS1-related condition.
Cardiovascular phenotype. Identifiers: MedGen CN230736.

Submissions (3):

Ambry Genetics
Classification: Uncertain significance for Cardiovascular phenotype. Last evaluated: 2025-10-06. Review status: criteria provided, single submitter. Criteria: Ambry Variant Classification Scheme 2023. Collection method: clinical testing. Allele origin: germline.

PreventionGenetics, part of Exact Sciences
Classification: Likely pathogenic for SOS1-related condition. Last evaluated: 2025-06-30. Review status: criteria provided, single submitter. Criteria: ACMG Guidelines, 2015. Collection method: clinical testing. Allele origin: germline.
Comment: The SOS1 c.3616G>A variant is predicted to result in the amino acid substitution p.Asp1206Asn. To our knowledge, this variant has not been reported in the literature or in a large population database (gnomAD), indicating this variant is rare. This variant is interpreted as likely pathogenic.

Labcorp Genetics (formerly Invitae), Labcorp
Classification: Uncertain significance for RASopathy. Last evaluated: 2025-04-17. Review status: criteria provided, single submitter. Criteria: Invitae Variant Classification Sherloc (09022015). Collection method: clinical testing. Allele origin: germline.
Comment: This sequence change replaces aspartic acid, which is acidic and polar, with asparagine, which is neutral and polar, at codon 1206 of the SOS1 protein (p.Asp1206Asn). This variant is not present in population databases (gnomAD no frequency). This variant has not been reported in the literature in individuals affected with SOS1-related conditions. Invitae Evidence Modeling of protein sequence and biophysical properties (such as structural, functional, and spatial information, amino acid conservation, physicochemical variation, residue mobility, and thermodynamic stability) indicates that this missense variant is not expected to disrupt SOS1 protein function with a negative predictive value of 95%. In summary, the available evidence is currently insufficient to determine the role of this variant in disease. Therefore, it has been classified as a Variant of Uncertain Significance.